The following is an entry in ClinVar:

ClinVar aggregate classification (germline): Uncertain significance. Review status: criteria provided, multiple submitters, no conflicts (2 of 4 stars). 2 submissions from 2 submitters: Uncertain significance (2). Last evaluated 2024-03-26.

Conditions:
Inborn genetic diseases. Identifiers: MedGen C0950123, MeSH D030342.
Autosomal dominant Parkinson disease 8. Also called: LRRK2-Related Parkinson Disease; Parkinson disease 8; Parkinson disease 8, susceptibility to. Identifiers: Orphanet 411602, MedGen C1846862, MONDO:0011764, OMIM 607060.

Allele frequency attached by ClinVar (database versions not stated): gnomAD exomes 0.00001; TOPMed 0.00003; gnomAD 0.00004.
gnomAD v4.1: 15 of 1,611,196 alleles (0.00093%); highest among the groups gnomAD compares: Admixed American, 0.01%; no homozygotes.

Submissions (2):

Labcorp Genetics (formerly Invitae), Labcorp
Classification: Uncertain significance for Autosomal dominant Parkinson disease 8. Last evaluated: 2024-03-26. Review status: criteria provided, single submitter. Criteria: Invitae Variant Classification Sherloc (09022015). Collection method: clinical testing. Allele origin: germline.
Comment: This sequence change replaces isoleucine, which is neutral and non-polar, with valine, which is neutral and non-polar, at codon 911 of the LRRK2 protein (p.Ile911Val). This variant is present in population databases (no rsID available, gnomAD 0.02%). This variant has not been reported in the literature in individuals affected with LRRK2-related conditions. ClinVar contains an entry for this variant (Variation ID: 1795298). Advanced modeling of protein sequence and biophysical properties (such as structural, functional, and spatial information, amino acid conservation, physicochemical variation, residue mobility, and thermodynamic stability) performed at Invitae indicates that this missense variant is not expected to disrupt LRRK2 protein function with a negative predictive value of 80%. In summary, the available evidence is currently insufficient to determine the role of this variant in disease. Therefore, it has been classified as a Variant of Uncertain Significance.

Ambry Genetics
Classification: Uncertain significance for Inborn genetic diseases. Last evaluated: 2023-12-08. Review status: criteria provided, single submitter. Criteria: Ambry Variant Classification Scheme 2023. Collection method: clinical testing. Allele origin: germline.

NM_198578.4(LRRK2):c.2731A>G (p.Ile911Val)

Gene: LRRK2 (leucine rich repeat kinase 2; plus strand). Cytogenetic location: 12q12.
Variant type: single nucleotide variant.
Coding change: c.2731A>G on transcript NM_198578.4 (MANE Select); coding-DNA position 2731, A replaced by G.
Protein change: p.Ile911Val; replaces isoleucine 911 with valine.
Molecular consequence: missense variant.
Genome position (GRCh38, 1-based): chr12:40,293,586, A>G. VCF-style: chr12-40293586-A-G. GRCh37 (hg19) VCF-style: chr12-40687388-A-G.
Other names: short protein forms I911V.
Identifiers: ClinVar variation 1795298 (VCV001795298.6), dbSNP rs1425557021, ClinGen allele CA384410811.